The following is an entry in ClinVar:

NM_007294.4(BRCA1):c.5177G>A (p.Arg1726Lys)

Gene: BRCA1 (BRCA1 DNA repair associated; minus strand). Cytogenetic location: 17q21.31.
Variant type: single nucleotide variant.
Coding change: c.5177G>A on transcript NM_007294.4 (MANE Select); coding-DNA position 5177, G replaced by A.
Protein change: p.Arg1726Lys; replaces arginine 1726 with lysine.
Molecular consequence: missense variant. On other transcripts: non-coding transcript variant (1).
Genome position (GRCh38, 1-based): chr17:43,063,349, C>T on the plus strand (G>A on the coding strand, the complement: BRCA1 is on the minus strand). VCF-style: chr17-43063349-C-T. GRCh37 (hg19) VCF-style: chr17-41215366-C-T.
Other names: c.4964G>A, p.Arg1655Lys (NM_001407571.1, NM_001407900.1, NM_001407902.1 and 12 more transcripts); c.5243G>A, p.Arg1748Lys (NM_001407581.1, NM_001407582.1); c.5240G>A, p.Arg1747Lys (NM_001407583.1, NM_001407585.1, NM_001407587.1 and 1 more transcripts); c.5174G>A, p.Arg1725Lys (NM_001407610.1, NM_001407611.1, NM_001407612.1 and 17 more transcripts); c.5171G>A, p.Arg1724Lys (NM_001407629.1, NM_001407630.1, NM_001407631.1 and 14 more transcripts); c.5117G>A, p.Arg1706Lys (NM_001407649.1); c.5099G>A, p.Arg1700Lys (NM_001407652.1, NM_001407653.1, NM_001407654.1 and 1 more transcripts); c.5096G>A, p.Arg1699Lys (NM_001407656.1, NM_001407657.1, NM_001407658.1); and 72 more; short protein forms R1679K, R1747K, R622K, R1726K, R1429K, R1638K, R1654K, R1678K.
Identifiers: ClinVar variation 865082 (VCV000865082.9), dbSNP rs786203547, ClinGen allele CA10591191.

ClinVar aggregate classification (germline): Uncertain significance (1 of 4 stars; one submission).

Conditions:
Hereditary breast ovarian cancer syndrome. Also called: Hereditary breast and/or ovarian cancer syndrome; BRCA1- and BRCA2-Associated Hereditary Breast and Ovarian Cancer; Hereditary breast and ovarian cancer syndrome; Hereditary breast and ovarian cancer; Hereditary breast and ovarian cancer syndrome (HBOC); Breast and ovarian cancer. Identifiers: Orphanet 145, MedGen C0677776, MeSH D061325, MONDO:0003582. Disease mechanism: loss of function.

Submissions (2):

Labcorp Genetics (formerly Invitae), Labcorp
Classification: Uncertain significance for Hereditary breast ovarian cancer syndrome. Last evaluated: 2021-09-17. Review status: criteria provided, single submitter. Criteria: Invitae Variant Classification Sherloc (09022015). Collection method: clinical testing. Allele origin: germline.
Comment: Experimental studies have shown that this missense change does not substantially affect BRCA1 function (PMID: 30209399). Advanced modeling of protein sequence and biophysical properties (such as structural, functional, and spatial information, amino acid conservation, physicochemical variation, residue mobility, and thermodynamic stability) performed at Invitae indicates that this missense variant is not expected to disrupt BRCA1 protein function. ClinVar contains an entry for this variant (Variation ID: 865082). This variant has not been reported in the literature in individuals affected with BRCA1-related conditions. This variant is not present in population databases (ExAC no frequency). This sequence change replaces arginine with lysine at codon 1726 of the BRCA1 protein (p.Arg1726Lys). The arginine residue is moderately conserved and there is a small physicochemical difference between arginine and lysine. In summary, the available evidence is currently insufficient to determine the role of this variant in disease. Therefore, it has been classified as a Variant of Uncertain Significance.

Brotman Baty Institute, University of Washington
No classification provided (evidence only). Condition: Breast-ovarian cancer, familial 1. Review status: no classification provided. Collection method: in vitro. Allele origin: not applicable. Functional consequence: functionally_normal. Not counted in ClinVar's aggregate classification.
ClinVar note: "not provided" was previously submitted as the classification for the variant. However, the classification appeared to be based only on an observation of functional data so it was converted to no classification on 2025-07-30.

Literature cited by the submitters: PubMed 30209399 (cited by Labcorp Genetics (formerly Invitae), Labcorp).